The following is an entry in ClinVar:

NM_020458.4(TTC7A):c.1462A>G (p.Lys488Glu)

Gene: TTC7A (tetratricopeptide repeat domain 7A; plus strand). Cytogenetic location: 2p21.
Variant type: single nucleotide variant.
Coding change: c.1462A>G on transcript NM_020458.4 (MANE Select); coding-DNA position 1462, A replaced by G.
Protein change: p.Lys488Glu; replaces lysine 488 with glutamic acid.
Molecular consequence: missense variant.
Genome position (GRCh38, 1-based): chr2:47,021,931, A>G. VCF-style: chr2-47021931-A-G. GRCh37 (hg19) VCF-style: chr2-47249070-A-G.
Other names: c.1462A>G, p.Lys488Glu (NM_001288951.2); c.1360A>G, p.Lys454Glu (NM_001288953.2); c.400A>G, p.Lys134Glu (NM_001288955.2); short protein forms K454E, K488E, K134E.
Identifiers: ClinVar variation 1975873 (VCV001975873.5), dbSNP rs1176643762, ClinGen allele CA346716062.

ClinVar aggregate classification (germline): Uncertain significance (1 of 4 stars; one submission).

Conditions:
Multiple gastrointestinal atresias. Also called: Multiple intestinal atresia; FAMILIAL INTESTINAL POLYATRESIA SYNDROME. Identifiers: Orphanet 2300, MedGen C0220744, MONDO:0009465.

Submission:

Labcorp Genetics (formerly Invitae), Labcorp
Classification: Uncertain significance for Multiple gastrointestinal atresias. Last evaluated: 2022-03-19. Review status: criteria provided, single submitter. Criteria: Invitae Variant Classification Sherloc (09022015). Collection method: clinical testing. Allele origin: germline.
Comment: This sequence change replaces lysine, which is basic and polar, with glutamic acid, which is acidic and polar, at codon 488 of the TTC7A protein (p.Lys488Glu). This variant is present in population databases (no rsID available, gnomAD 0.0009%). This variant has not been reported in the literature in individuals affected with TTC7A-related conditions. Algorithms developed to predict the effect of missense changes on protein structure and function are either unavailable or do not agree on the potential impact of this missense change (SIFT: "Tolerated"; PolyPhen-2: "Possibly Damaging"; Align-GVGD: "Class C0"). In summary, the available evidence is currently insufficient to determine the role of this variant in disease. Therefore, it has been classified as a Variant of Uncertain Significance.